The following is an entry in ClinVar:

NM_001386795.1(DTNA):c.1760C>G (p.Ser587Cys)

Gene: DTNA (dystrobrevin alpha; plus strand). Cytogenetic location: 18q12.1.
Variant type: single nucleotide variant.
Coding change: c.1760C>G on transcript NM_001386795.1 (MANE Select); coding-DNA position 1760, C replaced by G.
Protein change: p.Ser587Cys; replaces serine 587 with cysteine.
Molecular consequence: missense variant.
Genome position (GRCh38, 1-based): chr18:34,875,255, C>G. VCF-style: chr18-34875255-C-G. GRCh37 (hg19) VCF-style: chr18-32455219-C-G.
Other names: c.1499C>G, p.Ser500Cys (NM_001386764.1, NM_001386765.1, NM_001386766.1 and 5 more transcripts); c.1496C>G, p.Ser499Cys (NM_001386768.1, NM_001386769.1); c.1760C>G, p.Ser587Cys (NM_001386788.1); c.1679C>G, p.Ser560Cys (NM_001390.5); c.1508C>G, p.Ser503Cys (NM_032975.4, NM_001386761.1); c.1520C>G, p.Ser507Cys (NM_001198939.2); c.806C>G, p.Ser269Cys (NM_001198942.1); c.749C>G, p.Ser250Cys (NM_001198943.1); and 5 more; short protein forms S208C, S503C, S529C, S560C, S212C, S499C, S502C, S507C.
Identifiers: ClinVar variation 1518923 (VCV001518923.8), dbSNP rs766127967, ClinGen allele CA402177684.
Genomic context (GRCh38, chr18:34,875,255, plus strand): 5'-ATTTTCTTGGGAAAGCAAATTAATGACCTGCATTGTCTCTCCAGACTCAGGGGGCAGGCT[C>G]TCCCCGCTCCTCCCCCAGCCACACCATCAGCAGGCCAATTCCCATGCCCATCCGGTCAGC-3'
Protein context (NP_001373724.1, residues 577-597): MKLLKTQGAG[Ser587Cys]PRSSPSHTIS

ClinVar aggregate classification (germline): Uncertain significance (1 of 4 stars; one submission).

Conditions:
Left ventricular noncompaction 1 (LVNC1). Also called: LEFT VENTRICULAR NONCOMPACTION 1 WITH OR WITHOUT CONGENITAL HEART DEFECTS. Identifiers: Orphanet 54260, MedGen C1858725, MONDO:0011403, OMIM 604169.

Submission:

Labcorp Genetics (formerly Invitae), Labcorp
Classification: Uncertain significance for Left ventricular noncompaction 1. Last evaluated: 2022-03-22. Review status: criteria provided, single submitter. Criteria: Invitae Variant Classification Sherloc (09022015). Collection method: clinical testing. Allele origin: germline.
Comment: In summary, the available evidence is currently insufficient to determine the role of this variant in disease. Therefore, it has been classified as a Variant of Uncertain Significance. Algorithms developed to predict the effect of missense changes on protein structure and function are either unavailable or do not agree on the potential impact of this missense change (SIFT: "Deleterious"; PolyPhen-2: "Possibly Damaging"; Align-GVGD: "Class C15"). This variant has not been reported in the literature in individuals affected with DTNA-related conditions. This variant is not present in population databases (gnomAD no frequency). This sequence change replaces serine, which is neutral and polar, with cysteine, which is neutral and slightly polar, at codon 560 of the DTNA protein (p.Ser560Cys).